The following is an entry in ClinVar:

NM_000548.5(TSC2):c.482-16G>A

Gene: TSC2 (TSC complex subunit 2; plus strand). Cytogenetic location: 16p13.3.
Variant type: single nucleotide variant.
Coding change: c.482-16G>A on transcript NM_000548.5 (MANE Select); 16 bases into the intron before coding-DNA position 482, G replaced by A.
Molecular consequence: intron variant.
Genome position (GRCh38, 1-based): chr16:2,055,386, G>A. VCF-style: chr16-2055386-G-A. GRCh37 (hg19) VCF-style: chr16-2105387-G-A.
Other names: c.482-16G>A (NM_001114382.3, NM_021055.3, NM_001370405.1 and 4 more transcripts); c.371-16G>A (NM_001318827.2); c.-1-810G>A (NM_001318831.2); c.335-16G>A (NM_001318829.2); c.515-16G>A (NM_001318832.2).
Identifiers: ClinVar variation 1599284 (VCV001599284.13), dbSNP rs200647260, ClinGen allele CA052565.

ClinVar aggregate classification (germline): Benign/Likely benign. Review status: criteria provided, multiple submitters, no conflicts (2 of 4 stars). 5 submissions from 5 submitters: Benign (2); Likely benign (2). 1 of the submissions does not count toward it. Last evaluated 2026-01-07.

Conditions:
TSC2-related disorder. Also called: TSC2-related condition; TSC2-Related Disorders.
Tuberous sclerosis 2 (TSC2). Identifiers: Orphanet 805, MedGen C1860707, MONDO:0013199, OMIM 613254.
Isolated focal cortical dysplasia type II (FCORD2). Also called: CORTICAL DYSPLASIA OF TAYLOR; Focal cortical dysplasia type II. Identifiers: Orphanet 268994, MedGen C1846385, MONDO:0011818, OMIM 607341, HP:0032051.
Lymphangiomyomatosis (LAM). Also called: Lymphangioleiomyomatosis, somatic; Lymphangioleiomyomatosis. Identifiers: Orphanet 538, MedGen C0751674, MONDO:0011705, OMIM 606690.

Allele frequency attached by ClinVar (database versions not stated): gnomAD 0.00005 and 0.00006; ExAC 0.00008; ESP Exome Variant Server 0.00008; 1000 Genomes Project 30x 0.00016; 1000 Genomes Project 0.00020.
gnomAD v4.1: 72 of 1,610,550 alleles (0.0045%); highest among the groups gnomAD compares: South Asian, 0.0077%; 1 homozygote.

Submissions (5):

Labcorp Genetics (formerly Invitae), Labcorp
Classification: Benign for Tuberous sclerosis 2. Last evaluated: 2026-01-07. Review status: criteria provided, single submitter. Criteria: Invitae Variant Classification Sherloc (09022015). Collection method: clinical testing. Allele origin: germline.

Myriad Genetics, Inc.
Classification: Benign for Tuberous sclerosis 2. Last evaluated: 2025-05-07. Review status: criteria provided, single submitter. Criteria: Myriad Autosomal Dominant, Autosomal Recessive and X-Linked Classification Criteria (2023). Collection method: clinical testing. Allele origin: unknown.
Comment: This variant is considered benign. This variant is intronic and is not expected to impact mRNA splicing. This variant has been observed at a population frequency that is significantly greater than expected given the associated disease prevalence and penetrance.

Blueprint Genetics
Classification: Likely benign. Last evaluated: 2024-08-27. Review status: criteria provided, single submitter. Criteria: ACMG Guidelines, 2015. Collection method: clinical testing. Allele origin: germline.

Fulgent Genetics
Classification: Likely benign for Lymphangiomyomatosis; Isolated focal cortical dysplasia type II; Tuberous sclerosis 2. Last evaluated: 2022-05-13. Review status: criteria provided, single submitter. Criteria: ACMG Guidelines, 2015. Collection method: clinical testing. Allele origin: unknown.

PreventionGenetics, part of Exact Sciences
Classification: Likely benign for TSC2-related condition. Last evaluated: 2024-01-04. Review status: no assertion criteria provided. Collection method: clinical testing. Allele origin: germline. Not counted in ClinVar's aggregate classification.
Comment: This variant is classified as likely benign based on ACMG/AMP sequence variant interpretation guidelines (Richards et al. 2015 PMID: 25741868, with internal and published modifications).